The following is an entry in ClinVar:

ClinVar aggregate classification (germline): Uncertain significance (1 of 4 stars; one submission).

Submission:

GeneDx
Classification: Uncertain significance. Last evaluated: 2024-01-26. Review status: criteria provided, single submitter. Criteria: GeneDx Variant Classification Process June 2021. Collection method: clinical testing. Allele origin: germline. Affected: yes.
Comment: Not observed at significant frequency in large population cohorts (gnomAD); Canonical splice site variant in a gene for which loss-of-function is not a known mechanism of disease; Has not been previously published as pathogenic or benign to our knowledge

NM_001395656.1(ROBO2):c.2215+2T>C

Genes: ROBO2 (roundabout guidance receptor 2; plus strand), LOC126806727 (BRD4-independent group 4 enhancer GRCh37_chr3:77623115-77624314; plus strand). Cytogenetic location: 3p12.3.
Variant type: single nucleotide variant.
Coding change: c.2215+2T>C on transcript NM_001395656.1 (MANE Select); the canonical splice donor site of the intron after coding-DNA position 2215, T replaced by C.
Molecular consequence: splice donor variant.
Genome position (GRCh38, 1-based): chr3:77,574,732, T>C. VCF-style: chr3-77574732-T-C. GRCh37 (hg19) VCF-style: chr3-77623883-T-C.
Other names: c.2263+2T>C (NM_001378191.1, NM_001378195.1, NM_001378196.1 and 4 more transcripts); c.2251+2T>C (NM_001128929.3); c.2284+2T>C (NM_001394213.1, NM_001378192.1, NM_001378198.1 and 2 more transcripts); c.2272+2T>C (NM_001394212.1, NM_001395657.1, NM_001394214.1); c.2215+2T>C (NM_001290040.2, NM_001290039.2, NM_001378202.1); c.424+2T>C (NM_001290065.2); c.2203+2T>C (NM_001378197.1, NM_001378193.1, NM_002942.5).
Identifiers: ClinVar variation 3367728 (VCV003367728.1).